The following is an entry in ClinVar:

ClinVar aggregate classification (germline): Likely benign. Review status: criteria provided, single submitter (1 of 4 stars). 2 submissions from 1 submitter: Likely benign (2). Last evaluated 2018-01-13.

Conditions:
Bardet-Biedl syndrome 16 (BBS16). Identifiers: Orphanet 110, MedGen C3889474, MONDO:0014444, OMIM 615993.
Senior-Loken syndrome 7 (SLSN7). Identifiers: Orphanet 3156, MedGen C3150877, MONDO:0013326, OMIM 613615.

Allele frequency attached by ClinVar (database versions not stated): ESP Exome Variant Server 0.00008; TOPMed 0.00011; gnomAD exomes 0.00042 and 0.00083; ExAC 0.00095; 1000 Genomes Project 30x 0.00156; 1000 Genomes Project 0.00200.
gnomAD v4.1: 706 of 1,613,858 alleles (0.044%); highest among the groups gnomAD compares: South Asian, 0.63%; 7 homozygotes.

Submissions (2):

Illumina Laboratory Services, Illumina
Classification: Likely benign for Senior-Loken syndrome 7. Last evaluated: 2018-01-13. Review status: criteria provided, single submitter. Criteria: ICSL Variant Classification Criteria 13 December 2019. Collection method: clinical testing. Allele origin: germline.
Comment: This variant was observed in the ICSL laboratory as part of a predisposition screen in an ostensibly healthy population. It had not been previously curated by ICSL or reported in the Human Gene Mutation Database (HGMD: prior to June 1st, 2018), and was therefore a candidate for classification through an automated scoring system. Utilizing variant allele frequency, disease prevalence and penetrance estimates, and inheritance mode, an automated score was calculated to assess if this variant is too frequent to cause the disease. Based on the score and internal cut-off values, a variant classified as likely benign is not then subjected to further curation. The score for this variant resulted in a classification of likely benign for this disease.

Illumina Laboratory Services, Illumina
Classification: Likely benign for Bardet-Biedl syndrome 16. Last evaluated: 2018-01-13. Review status: criteria provided, single submitter. Criteria: ICSL Variant Classification Criteria 13 December 2019. Collection method: clinical testing. Allele origin: germline.
Comment: the same text as in the submission from Illumina Laboratory Services, Illumina above.

NM_006642.5(SDCCAG8):c.-4G>A

Gene: SDCCAG8 (SHH signaling and ciliogenesis regulator SDCCAG8; plus strand). Cytogenetic location: 1q43.
Variant type: single nucleotide variant.
Coding change: c.-4G>A on transcript NM_006642.5 (MANE Select); 4 bases upstream of the start codon, G replaced by A.
Molecular consequence: 5 prime UTR variant.
Genome position (GRCh38, 1-based): chr1:243,256,170, G>A. VCF-style: chr1-243256170-G-A. GRCh37 (hg19) VCF-style: chr1-243419472-G-A.
Other names: c.-1116G>A (NM_001350246.2); c.-1004G>A (NM_001350247.2); c.-4G>A (NM_001350248.2); c.-311G>A (NM_001350249.2); c.-1377G>A (NM_001350251.2).
Identifiers: ClinVar variation 296903 (VCV000296903.5), dbSNP rs113193158, ClinGen allele CA1483153.
Genomic context (GRCh38, chr1:243,256,170, plus strand): 5'-CTCGGAAGGGAGAAAGCTGGACATTTCCCCACGTAACTCCCAGCTCTGGGCCTAGAGTGC[G>A]TGCATGGCGAAGTCCCCGGAGAACTCTACCCTGGAGGAGATTCTGGGGCAGTATCAACGG-3'